The following is an entry in ClinVar:

NM_001772.4(CD33):c.379T>C (p.Tyr127His)

Gene: CD33 (CD33 molecule; plus strand). Cytogenetic location: 19q13.41.
Variant type: single nucleotide variant.
Coding change: c.379T>C on transcript NM_001772.4 (MANE Select); coding-DNA position 379, T replaced by C.
Protein change: p.Tyr127His; replaces tyrosine 127 with histidine.
Molecular consequence: missense variant. On other transcripts: intron variant (1).
Genome position (GRCh38, 1-based): chr19:51,225,559, T>C. VCF-style: chr19-51225559-T-C. GRCh37 (hg19) VCF-style: chr19-51728815-T-C.
Other names: c.379T>C, p.Tyr127His (NM_001177608.2); c.38-244T>C (NM_001082618.2); short protein forms Y127H.
Identifiers: ClinVar variation 2650368 (VCV002650368.24), dbSNP rs146181856, ClinGen allele CA9609620.

ClinVar aggregate classification (germline): Likely benign (1 of 4 stars; one submission).

Allele frequency attached by ClinVar (database versions not stated): TOPMed 0.00114; ESP Exome Variant Server 0.00162; 1000 Genomes Project 30x 0.00234; 1000 Genomes Project 0.00300; gnomAD exomes 0.00334; gnomAD 0.00579; ExAC 0.00629.

Submission:

CeGaT Center for Human Genetics Tuebingen
Classification: Likely benign. Last evaluated: 2023-01-01. Review status: criteria provided, single submitter. Criteria: CeGaT Center For Human Genetics Tuebingen Variant Classification Criteria Version 2. Collection method: clinical testing. Allele origin: germline. Affected: yes. Observed: 1 variant allele.
Comment: CD33: BP4, BS2